The following is an entry in ClinVar:

ClinVar aggregate classification (germline): Uncertain significance (1 of 4 stars; one submission).

Conditions:
Cohen syndrome (COH1). Also called: PEPPER SYNDROME; Cutis verticis gyrata, retinitis pigmentosa, and sensorineural deafness. Identifiers: Orphanet 193, MedGen C0265223, MONDO:0008999, OMIM 216550.

Submission:

Labcorp Genetics (formerly Invitae), Labcorp
Classification: Uncertain significance for Cohen syndrome. Last evaluated: 2022-03-31. Review status: criteria provided, single submitter. Criteria: Invitae Variant Classification Sherloc (09022015). Collection method: clinical testing. Allele origin: germline.
Comment: This sequence change replaces serine, which is neutral and polar, with leucine, which is neutral and non-polar, at codon 3892 of the VPS13B protein (p.Ser3892Leu). This variant is not present in population databases (gnomAD no frequency). This variant has not been reported in the literature in individuals affected with VPS13B-related conditions. Algorithms developed to predict the effect of missense changes on protein structure and function are either unavailable or do not agree on the potential impact of this missense change (SIFT: "Not Available"; PolyPhen-2: "Benign"; Align-GVGD: "Not Available"). In summary, the available evidence is currently insufficient to determine the role of this variant in disease. Therefore, it has been classified as a Variant of Uncertain Significance.

NM_152564.5(VPS13B):c.11600C>T (p.Ser3867Leu)

Gene: VPS13B (vacuolar protein sorting 13 homolog B; plus strand). Cytogenetic location: 8q22.2.
Variant type: single nucleotide variant.
Coding change: c.11600C>T on transcript NM_152564.5 (MANE Select); coding-DNA position 11600, C replaced by T.
Protein change: p.Ser3867Leu; replaces serine 3867 with leucine.
Molecular consequence: missense variant.
Genome position (GRCh38, 1-based): chr8:99,871,552, C>T. VCF-style: chr8-99871552-C-T. GRCh37 (hg19) VCF-style: chr8-100883780-C-T.
Other names: c.11675C>T, p.Ser3892Leu (NM_017890.5); short protein forms S3892L, S3867L.
Identifiers: ClinVar variation 1388612 (VCV001388612.5), dbSNP rs1057517385, ClinGen allele CA371794405.